The following is an entry in ClinVar:

NM_024652.6(LRRK1):c.5192T>C (p.Met1731Thr)

Genes: LRRK1 (leucine rich repeat kinase 1; plus strand), LRRK1-AS1 (LRRK1 antisense RNA 1; minus strand). Cytogenetic location: 15q26.3.
Variant type: single nucleotide variant.
Coding change: c.5192T>C on transcript NM_024652.6 (MANE Select); coding-DNA position 5192, T replaced by C.
Protein change: p.Met1731Thr; replaces methionine 1731 with threonine.
Molecular consequence: missense variant.
Genome position (GRCh38, 1-based): chr15:101,065,629, T>C. VCF-style: chr15-101065629-T-C. GRCh37 (hg19) VCF-style: chr15-101605834-T-C.
Other names: short protein forms M1731T.
Identifiers: ClinVar variation 1951824 (VCV001951824.5), dbSNP rs771231472, ClinGen allele CA7762087.

ClinVar aggregate classification (germline): Uncertain significance (1 of 4 stars; one submission).

Allele frequency attached by ClinVar (database versions not stated): ExAC 0.00001; gnomAD exomes 0.00001.

Submission:

Labcorp Genetics (formerly Invitae), Labcorp
Classification: Uncertain significance. Last evaluated: 2022-05-21. Review status: criteria provided, single submitter. Criteria: Invitae Variant Classification Sherloc (09022015). Collection method: clinical testing. Allele origin: germline.
Comment: In summary, the available evidence is currently insufficient to determine the role of this variant in disease. Therefore, it has been classified as a Variant of Uncertain Significance. Algorithms developed to predict the effect of missense changes on protein structure and function output the following: SIFT: "Tolerated"; PolyPhen-2: "Benign"; Align-GVGD: "Class C0". The threonine amino acid residue is found in multiple mammalian species, which suggests that this missense change does not adversely affect protein function. This variant has not been reported in the literature in individuals affected with LRRK1-related conditions. This variant is present in population databases (rs771231472, gnomAD 0.003%). This sequence change replaces methionine, which is neutral and non-polar, with threonine, which is neutral and polar, at codon 1731 of the LRRK1 protein (p.Met1731Thr).